The following is an entry in ClinVar:

ClinVar aggregate classification (germline): Uncertain significance (1 of 4 stars; one submission).

Submission:

Labcorp Genetics (formerly Invitae), Labcorp
Classification: Uncertain significance. Last evaluated: 2021-02-25. Review status: criteria provided, single submitter. Criteria: Invitae Variant Classification Sherloc (09022015). Collection method: clinical testing. Allele origin: germline.
Comment: This sequence change replaces threonine with serine at codon 175 of the GUF1 protein (p.Thr175Ser). The threonine residue is highly conserved and there is a small physicochemical difference between threonine and serine. This variant is not present in population databases (ExAC no frequency). This variant has not been reported in the literature in individuals with GUF1-related conditions. Algorithms developed to predict the effect of missense changes on protein structure and function are either unavailable or do not agree on the potential impact of this missense change (SIFT: "Deleterious"; PolyPhen-2: "Possibly Damaging"; Align-GVGD: "Class C0"). In summary, the available evidence is currently insufficient to determine the role of this variant in disease. Therefore, it has been classified as a Variant of Uncertain Significance.

NM_021927.3(GUF1):c.524C>G (p.Thr175Ser)

Gene: GUF1 (GTP binding elongation factor GUF1; plus strand). Cytogenetic location: 4p12.
Variant type: single nucleotide variant.
Coding change: c.524C>G on transcript NM_021927.3 (MANE Select); coding-DNA position 524, C replaced by G.
Protein change: p.Thr175Ser; replaces threonine 175 with serine.
Molecular consequence: missense variant. On other transcripts: 5 prime UTR variant (2).
Genome position (GRCh38, 1-based): chr4:44,682,350, C>G. VCF-style: chr4-44682350-C-G. GRCh37 (hg19) VCF-style: chr4-44684367-C-G.
Other names: c.-445C>G (NM_001345867.2); c.524C>G, p.Thr175Ser (NM_001345868.2); c.-449C>G (NM_001345869.2); short protein forms T175S.
Identifiers: ClinVar variation 1469193 (VCV001469193.8), dbSNP rs879370549, ClinGen allele CA96515645.